The following is an entry in ClinVar:

ClinVar aggregate classification (germline): Uncertain significance. Review status: criteria provided, multiple submitters, no conflicts (2 of 4 stars). 3 submissions from 3 submitters: Uncertain significance (3). Last evaluated 2025-07-16.

Conditions:
Aortic valve disease 2 (AOVD2). Identifiers: MedGen C3542024, MONDO:0013902, OMIM 614823.

Allele frequency attached by ClinVar (database versions not stated): ExAC 0.00006.

Submissions (3):

Labcorp Genetics (formerly Invitae), Labcorp
Classification: Uncertain significance for Aortic valve disease 2. Last evaluated: 2025-07-16. Review status: criteria provided, single submitter. Criteria: Invitae Variant Classification Sherloc (09022015). Collection method: clinical testing. Allele origin: germline.
Comment: This sequence change replaces arginine, which is basic and polar, with tryptophan, which is neutral and slightly polar, at codon 268 of the SMAD6 protein (p.Arg268Trp). The frequency data for this variant in the population databases is considered unreliable, as metrics indicate poor data quality at this position in the gnomAD database. This variant has not been reported in the literature in individuals affected with SMAD6-related conditions. ClinVar contains an entry for this variant (Variation ID: 1805390). Invitae Evidence Modeling of protein sequence and biophysical properties (such as structural, functional, and spatial information, amino acid conservation, physicochemical variation, residue mobility, and thermodynamic stability) has been performed for this missense variant. However, the output from this modeling did not meet the statistical confidence thresholds required to predict the impact of this variant on SMAD6 protein function. In summary, the available evidence is currently insufficient to determine the role of this variant in disease. Therefore, it has been classified as a Variant of Uncertain Significance.

GeneDx
Classification: Uncertain significance. Last evaluated: 2024-02-23. Review status: criteria provided, single submitter. Criteria: GeneDx Variant Classification Process June 2021. Collection method: clinical testing. Allele origin: germline. Affected: yes.
Comment: In silico analysis supports that this missense variant has a deleterious effect on protein structure/function; Has not been previously published as pathogenic or benign to our knowledge

Victorian Clinical Genetics Services, Murdoch Childrens Research Institute
Classification: Uncertain significance for Aortic valve disease 2. Last evaluated: 2022-03-31. Review status: criteria provided, single submitter. Criteria: ACMG Guidelines, 2015. Collection method: clinical testing. Allele origin: germline. Inheritance: Autosomal dominant inheritance. Affected: yes.
Comment: Based on the classification scheme VCGS_Germline_v1.3.4, this variant is classified as VUS-3B. Following criteria are met: 0102 - Loss of function is a known mechanism of disease in this gene and is associated with aortic valve disease 2 (MIM#614823), and susceptibility to both craniosynostosis 7 (MIM#617439) and nonsyndromic radioulnar synostosis (MIM#179300) (PMID: 32499606). (I) 0107 - This gene is associated with autosomal dominant disease. (I) 0112 - The condition associated with this gene has incomplete penetrance. Incomplete penetrance is well reported for craniosynostosis susceptibility, but further evidence is required to establish this for aortic valve disease (PMID: 32499606, PMID: 30796334). (I) 0115 - Variants in this gene resulting in aortic valve disease are known to have variable expressivity (PMID: 30796334). (I) 0200 - Variant is predicted to result in a missense amino acid change from arginine to tryptophan. (I) 0251 - This variant is heterozygous. (I) 0302 - Variant is present in gnomAD (v2) <0.001 for a dominant condition (4 heterozygotes, 0 homozygotes). (SP) 0309 - An alternative amino acid change at the same position has been observed in gnomAD (v3) (1 heterozygote, 0 homozygotes). (I) 0501 - Missense variant consistently predicted to be damaging by multiple in silico tools or highly conserved with a major amino acid change. (SP) 0600 - Variant is located in the annotated MH1 domain (DECIPHER). (I) 0705 - No comparable missense variants have previous evidence for pathogenicity. (I) 0807 - This variant has no previous evidence of pathogenicity. (I) 0905 - No published segregation evidence has been identified for this variant. (I) 1007 - No published functional evidence has been identified for this variant. (I) Legend: (SP) - Supporting pathogenic, (I) - Information, (SB) - Supporting benign

Literature cited by the submitters: PubMed 30796334 (cited by Victorian Clinical Genetics Services, Murdoch Childrens Research Institute); PubMed 32499606 (cited by Victorian Clinical Genetics Services, Murdoch Childrens Research Institute).

NM_005585.5(SMAD6):c.802C>T (p.Arg268Trp)

Gene: SMAD6 (SMAD family member 6; plus strand). Cytogenetic location: 15q22.31.
Variant type: single nucleotide variant.
Coding change: c.802C>T on transcript NM_005585.5 (MANE Select); coding-DNA position 802, C replaced by T.
Protein change: p.Arg268Trp; replaces arginine 268 with tryptophan.
Molecular consequence: missense variant. On other transcripts: non-coding transcript variant (1).
Genome position (GRCh38, 1-based): chr15:66,704,060, C>T. VCF-style: chr15-66704060-C-T. GRCh37 (hg19) VCF-style: chr15-66996398-C-T.
Other names: short protein forms R268W.
Identifiers: ClinVar variation 1805390 (VCV001805390.5), dbSNP rs780080560, ClinGen allele CA7626535.
Genomic context (GRCh38, chr15:66,704,060, plus strand): 5'-CACAGCTTCGCCGCCGCCGCCGACGGCCCTACCGTGTGCTGCAACCCCTACCACTTCAGC[C>T]GGCTCTGCGGGCCCGGTGAGCGCGCTGCGCCGGCCGGGGGGGCCCCGGGTCCCCGTCCCC-3'
Protein context (NP_005576.3, residues 258-278): TVCCNPYHFS[Arg268Trp]LCGPESPPPP